The following is an entry in ClinVar:

NC_000023.10:g.(?_32404417)_(32663279_?)del

Gene: DMD (dystrophin; minus strand). Cytogenetic location: Xp21.1.
Variant type: Deletion.
Identifiers: ClinVar variation 1455783 (VCV001455783.5).

ClinVar aggregate classification (germline): Pathogenic (1 of 4 stars; one submission).

Conditions:
Duchenne muscular dystrophy (DMD). Also called: Duchenne Muscular Dystrophy (DMD); MUSCULAR DYSTROPHY, PSEUDOHYPERTROPHIC PROGRESSIVE, DUCHENNE TYPE. Identifiers: Orphanet 98896, MedGen C0013264, MONDO:0010679, OMIM 310200.

Submission:

Labcorp Genetics (formerly Invitae), Labcorp
Classification: Pathogenic for Duchenne muscular dystrophy. Last evaluated: 2021-02-17. Review status: criteria provided, single submitter. Criteria: Invitae Variant Classification Sherloc (09022015). Collection method: clinical testing. Allele origin: germline.
Comment: For these reasons, this variant has been classified as Pathogenic. The region of the DMD gene that includes exon(s) 10-12 has been determined to be clinically significant (PMID: 19937601, 21815800, 18055393, 29604111). Therefore, deletions that encompass that region are likely to disrupt protein function and cause disease. This variant has been observed in individual(s) with clinical features of Duchenne or Becker muscular dystrophy (PMID: 18663755). This variant is a gross deletion of the genomic region encompassing exon(s) 10-33 of the DMD gene. This variant would be expected to be in-frame, preserving the integrity of the reading frame.

Literature cited by the submitters: PubMed 19937601; PubMed 21815800; PubMed 18055393; PubMed 29604111; PubMed 18663755.